The following is an entry in ClinVar:

ClinVar aggregate classification (germline): Uncertain significance. Review status: criteria provided, multiple submitters, no conflicts (2 of 4 stars). 2 submissions from 2 submitters: Uncertain significance (2). Last evaluated 2023-06-29.

Conditions:
Inborn genetic diseases. Identifiers: MedGen C0950123, MeSH D030342.
Hereditary spastic paraplegia 47. Also called: CEREBRAL PALSY, SPASTIC QUADRIPLEGIC, 5; Spastic paraplegia 47, autosomal recessive; adaptor protein 4 (AP-4) deficiency syndrome. Identifiers: Orphanet 280763, MedGen C3279738, MONDO:0013551, OMIM 614066.

Allele frequency attached by ClinVar (database versions not stated): ExAC 0.00002; TOPMed 0.00001; gnomAD 0.00003.
gnomAD v4.1: 46 of 1,614,020 alleles (0.0029%); highest among the groups gnomAD compares: East Asian, 0.091%; no homozygotes.

Submissions (2):

Ambry Genetics
Classification: Uncertain significance for Inborn genetic diseases. Last evaluated: 2023-06-29. Review status: criteria provided, single submitter. Criteria: Ambry Variant Classification Scheme 2023. Collection method: clinical testing. Allele origin: germline.

Labcorp Genetics (formerly Invitae), Labcorp
Classification: Uncertain significance for Hereditary spastic paraplegia 47. Last evaluated: 2022-06-07. Review status: criteria provided, single submitter. Criteria: Invitae Variant Classification Sherloc (09022015). Collection method: clinical testing. Allele origin: germline.
Comment: This sequence change replaces arginine, which is basic and polar, with histidine, which is basic and polar, at codon 301 of the AP4B1 protein (p.Arg301His). This variant is present in population databases (rs768636022, gnomAD 0.03%). This variant has not been reported in the literature in individuals affected with AP4B1-related conditions. Algorithms developed to predict the effect of missense changes on protein structure and function are either unavailable or do not agree on the potential impact of this missense change (SIFT: "Deleterious"; PolyPhen-2: "Benign"; Align-GVGD: "Class C0"). In summary, the available evidence is currently insufficient to determine the role of this variant in disease. Therefore, it has been classified as a Variant of Uncertain Significance.

NM_001253852.3(AP4B1):c.902G>A (p.Arg301His)

Genes: AP4B1 (adaptor related protein complex 4 subunit beta 1; minus strand), AP4B1-AS1 (AP4B1 antisense RNA 1; plus strand). Cytogenetic location: 1p13.2.
Variant type: single nucleotide variant.
Coding change: c.902G>A on transcript NM_001253852.3 (MANE Select); coding-DNA position 902, G replaced by A.
Protein change: p.Arg301His; replaces arginine 301 with histidine.
Molecular consequence: missense variant. On other transcripts: non-coding transcript variant (2).
Genome position (GRCh38, 1-based): chr1:113,900,116, C>T on the plus strand (G>A on the coding strand, the complement: AP4B1 is on the minus strand). VCF-style: chr1-113900116-C-T. GRCh37 (hg19) VCF-style: chr1-114442738-C-T.
Other names: c.902G>A (NM_006594.2); c.605G>A, p.Arg202His (NM_001253853.3); c.398G>A, p.Arg133His (NM_001308312.2); c.902G>A, p.Arg301His (NM_006594.5); short protein forms R301H, R133H, R202H.
Identifiers: ClinVar variation 2058903 (VCV002058903.6), dbSNP rs768636022, ClinGen allele CA1015983.